The following is an entry in ClinVar:

ClinVar aggregate classification (germline): Uncertain significance. Review status: criteria provided, multiple submitters, no conflicts (2 of 4 stars). 2 submissions from 2 submitters: Uncertain significance (2). Last evaluated 2025-01-18.

Conditions:
Cardiovascular phenotype. Identifiers: MedGen CN230736.
Arrhythmogenic right ventricular dysplasia 9 (ARVD9). Also called: Arrhythmogenic Right Ventricular Dysplasia/Cardiomyopathy 9; ARRHYTHMOGENIC RIGHT VENTRICULAR DYSPLASIA, FAMILIAL, 9. Identifiers: MedGen C1836906, MONDO:0012180, OMIM 609040.

Submissions (2):

Ambry Genetics
Classification: Uncertain significance for Cardiovascular phenotype. Last evaluated: 2025-01-18. Review status: criteria provided, single submitter. Criteria: Ambry Variant Classification Scheme 2023. Collection method: clinical testing. Allele origin: germline.

Labcorp Genetics (formerly Invitae), Labcorp
Classification: Uncertain significance for Arrhythmogenic right ventricular dysplasia 9. Last evaluated: 2022-05-11. Review status: criteria provided, single submitter. Criteria: Invitae Variant Classification Sherloc (09022015). Collection method: clinical testing. Allele origin: germline.
Comment: This variant has not been reported in the literature in individuals affected with PKP2-related conditions. This variant is not present in population databases (gnomAD no frequency). This sequence change replaces alanine, which is neutral and non-polar, with serine, which is neutral and polar, at codon 113 of the PKP2 protein (p.Ala113Ser). Algorithms developed to predict the effect of missense changes on protein structure and function output the following: SIFT: "Tolerated"; PolyPhen-2: "Benign"; Align-GVGD: "Class C0". The serine amino acid residue is found in multiple mammalian species, which suggests that this missense change does not adversely affect protein function. In summary, the available evidence is currently insufficient to determine the role of this variant in disease. Therefore, it has been classified as a Variant of Uncertain Significance.

NM_001005242.3(PKP2):c.337G>T (p.Ala113Ser)

Gene: PKP2 (plakophilin 2; minus strand). Cytogenetic location: 12p11.21.
Variant type: single nucleotide variant.
Coding change: c.337G>T on transcript NM_001005242.3 (MANE Select); coding-DNA position 337, G replaced by T.
Protein change: p.Ala113Ser; replaces alanine 113 with serine.
Molecular consequence: missense variant.
Genome position (GRCh38, 1-based): chr12:32,878,543, C>A on the plus strand (G>T on the coding strand, the complement: PKP2 is on the minus strand). VCF-style: chr12-32878543-C-A. GRCh37 (hg19) VCF-style: chr12-33031477-C-A.
Other names: c.337G>T, p.Ala113Ser (NM_001407155.1, NM_001407156.1, NM_001407157.1 and 2 more transcripts); c.10G>T, p.Ala4Ser (NM_001407158.1, NM_001407159.1, NM_001407160.1 and 1 more transcripts); short protein forms A113S, A4S.
Identifiers: ClinVar variation 1988084 (VCV001988084.6), dbSNP rs1013290479, ClinGen allele CA384365516.
Genomic context (GRCh38, chr12:32,878,543, plus strand): 5'-GGGAGCTGTACTGTGCTGTTCCTCTTCCCCAGCGACCTTCATAAGTGGCAGTTGTGCCAG[C>A]CTGCACATGAGAGAAATAAAGTTTAAAGGGGGCATAAATCAAATTTCAACTTTGCTGAGG-3'
Protein context (NP_001005242.2, residues 103-123): PVPKTYDMLK[Ala113Ser]GTTATYEGRW